The following is an entry in ClinVar:

ClinVar aggregate classification (germline): Uncertain significance (1 of 4 stars; one submission).

Conditions:
Dyskeratosis congenita. Identifiers: Orphanet 1775, MedGen C0265965, MONDO:0015780.

Submission:

Ambry Genetics
Classification: Uncertain significance for Dyskeratosis congenita. Last evaluated: 2025-06-10. Review status: criteria provided, single submitter. Criteria: Ambry Variant Classification Scheme 2023. Collection method: clinical testing. Allele origin: germline.
Comment: The p.S1104R variant (also known as c.3312T>A), located in coding exon 16 of the TERT gene, results from a T to A substitution at nucleotide position 3312. The serine at codon 1104 is replaced by arginine, an amino acid with dissimilar properties. This amino acid position is conserved. In addition, this alteration is predicted to be tolerated by in silico analysis. Based on the available evidence, the clinical significance of this variant remains unclear.

NM_198253.3(TERT):c.3312T>A (p.Ser1104Arg)

Gene: TERT (telomerase reverse transcriptase; minus strand). Cytogenetic location: 5p15.33.
Variant type: single nucleotide variant.
Coding change: c.3312T>A on transcript NM_198253.3 (MANE Select); coding-DNA position 3312, T replaced by A.
Protein change: p.Ser1104Arg; replaces serine 1104 with arginine.
Molecular consequence: missense variant. On other transcripts: non-coding transcript variant (2).
Genome position (GRCh38, 1-based): chr5:1,253,815, A>T on the plus strand (T>A on the coding strand, the complement: TERT is on the minus strand). VCF-style: chr5-1253815-A-T. GRCh37 (hg19) VCF-style: chr5-1253930-A-T.
Other names: c.3123T>A, p.Ser1041Arg (NM_001193376.3); short protein forms S1041R, S1104R.
Identifiers: ClinVar variation 3967396 (VCV003967396.1).